The following is an entry in ClinVar:

NM_021072.4(HCN1):c.223G>C (p.Glu75Gln)

Gene: HCN1 (hyperpolarization activated cyclic nucleotide gated potassium channel 1; minus strand). Cytogenetic location: 5p12.
Variant type: single nucleotide variant.
Coding change: c.223G>C on transcript NM_021072.4 (MANE Select); coding-DNA position 223, G replaced by C.
Protein change: p.Glu75Gln; replaces glutamic acid 75 with glutamine.
Molecular consequence: missense variant.
Genome position (GRCh38, 1-based): chr5:45,695,871, C>G on the plus strand (G>C on the coding strand, the complement: HCN1 is on the minus strand). VCF-style: chr5-45695871-C-G. GRCh37 (hg19) VCF-style: chr5-45695973-C-G.
Other names: short protein forms E75Q.
Identifiers: ClinVar variation 1700324 (VCV001700324.21), dbSNP rs1374925949, ClinGen allele CA359706493.

ClinVar aggregate classification (germline): Uncertain significance. Review status: criteria provided, multiple submitters, no conflicts (2 of 4 stars). 2 submissions from 2 submitters: Uncertain significance (2). Last evaluated 2024-05-01.

gnomAD v4.1: 12 of 1,426,526 alleles (0.00084%); highest among the groups gnomAD compares: Non-Finnish European, 0.0011%; no homozygotes.

Submissions (2):

CeGaT Center for Human Genetics Tuebingen
Classification: Uncertain significance. Last evaluated: 2024-05-01. Review status: criteria provided, single submitter. Criteria: CeGaT Center For Human Genetics Tuebingen Variant Classification Criteria Version 2. Collection method: clinical testing. Allele origin: germline. Affected: yes. Observed: 2 variant alleles.
Comment: HCN1: PM2, PP2, PP3

GeneDx
Classification: Uncertain significance. Last evaluated: 2022-02-02. Review status: criteria provided, single submitter. Criteria: GeneDx Variant Classification Process June 2021. Collection method: clinical testing. Allele origin: germline. Affected: yes.
Comment: Not observed at significant frequency in large population cohorts (gnomAD); In silico analysis supports that this missense variant does not alter protein structure/function; Has not been previously published as pathogenic or benign to our knowledge